The following is an entry in ClinVar:

ClinVar aggregate classification (germline): Pathogenic/Likely pathogenic. Review status: criteria provided, multiple submitters, no conflicts (2 of 4 stars). 2 submissions from 2 submitters: Pathogenic (1); Likely pathogenic (1). Last evaluated 2026-05-06.

Conditions:
Pheochromocytoma. Also called: MAX-Related Hereditary Paraganglioma-Pheochromocytoma Syndrome. Identifiers: Orphanet 29072, MedGen C0031511, MONDO:0008233, OMIM 171300, HP:0002666.
Gastrointestinal stromal tumor. Also called: Gastrointestinal stromal tumor, somatic; Gastrointestinal stroma tumor. Identifiers: Orphanet 44890, MedGen C0238198, MeSH D046152, MONDO:0011719, OMIM 606764, HP:0100723.
Pheochromocytoma/paraganglioma syndrome 4. Also called: CAROTID BODY TUMORS AND MULTIPLE EXTRAADRENAL PHEOCHROMOCYTOMAS; SDHB-Related Hereditary Paraganglioma-Pheochromocytoma Syndrome (Paragangliomas 4); Paragangliomas 4; SDHB-Related Hereditary Paraganglioma-Pheochromocytoma Syndrome; PARAGANGLIOMA, FAMILIAL MALIGNANT; PARAGANGLIOMAS, HEREDITARY EXTRAADRENAL. Identifiers: Orphanet 29072, MedGen C1861848, MONDO:0007273, OMIM 115310.
Hereditary cancer-predisposing syndrome. Also called: Tumor predisposition; Neoplastic Syndromes, Hereditary; Hereditary neoplastic syndrome; Hereditary Cancer Syndrome. Identifiers: Orphanet 140162, MedGen C0027672, MeSH D009386, MONDO:0015356.

Submissions (2):

Ambry Genetics
Classification: Likely pathogenic for Hereditary cancer-predisposing syndrome. Last evaluated: 2026-05-06. Review status: criteria provided, single submitter. Criteria: Ambry Variant Classification Scheme 2023. Collection method: clinical testing. Allele origin: germline.
Comment: The c.200+1G>C intronic variant results from a G to C substitution one nucleotide after coding exon 2 of the SDHB gene. This variant was reported in individuals with features consistent with hereditary paraganglioma and pheochromocytoma syndrome (Ma, X et al. Front Endocrinol (Lausanne) 2020 Dec;11:574662). This nucleotide position is highly conserved in available vertebrate species. In silico splice site analysis predicts that this alteration will weaken the native splice donor site; however, direct evidence is insufficient at this time (Ambry internal data). This variant is considered to be rare based on population cohorts in the Genome Aggregation Database (gnomAD). Alterations that disrupt the canonical splice site are expected to cause aberrant splicing, resulting in an abnormal protein or a transcript that is subject to nonsense-mediated mRNA decay. As such, this alteration is classified as likely pathogenic.

Labcorp Genetics (formerly Invitae), Labcorp
Classification: Pathogenic for Gastrointestinal stromal tumor; Pheochromocytoma/paraganglioma syndrome 4; Pheochromocytoma. Last evaluated: 2024-04-29. Review status: criteria provided, single submitter. Criteria: Invitae Variant Classification Sherloc (09022015). Collection method: clinical testing. Allele origin: germline.
Comment: This sequence change affects a donor splice site in intron 2 of the SDHB gene. It is expected to disrupt RNA splicing. Variants that disrupt the donor or acceptor splice site typically lead to a loss of protein function (PMID: 16199547), and loss-of-function variants in SDHB are known to be pathogenic (PMID: 19454582, 19802898). This variant is not present in population databases (gnomAD no frequency). Disruption of this splice site has been observed in individuals with clinical features of SDHB-related conditions (PMID: 19454582, 28490599, 32460727, 33362715). ClinVar contains an entry for this variant (Variation ID: 1065988). Algorithms developed to predict the effect of sequence changes on RNA splicing suggest that this variant may disrupt the consensus splice site. For these reasons, this variant has been classified as Pathogenic.

Literature cited by the submitters: PubMed 33362715 (cited by Ambry Genetics and Labcorp Genetics (formerly Invitae), Labcorp); PubMed 16199547 (cited by Labcorp Genetics (formerly Invitae), Labcorp); PubMed 19454582 (cited by Labcorp Genetics (formerly Invitae), Labcorp); PubMed 19802898 (cited by Labcorp Genetics (formerly Invitae), Labcorp); PubMed 28490599 (cited by Labcorp Genetics (formerly Invitae), Labcorp); PubMed 32460727 (cited by Labcorp Genetics (formerly Invitae), Labcorp).

NM_003000.3(SDHB):c.200+1G>C

Gene: SDHB (succinate dehydrogenase complex iron sulfur subunit B; minus strand). Cytogenetic location: 1p36.13.
Variant type: single nucleotide variant.
Coding change: c.200+1G>C on transcript NM_003000.3 (MANE Select); the canonical splice donor site of the intron after coding-DNA position 200, G replaced by C.
Molecular consequence: splice donor variant.
Genome position (GRCh38, 1-based): chr1:17,044,760, C>G on the plus strand (G>C on the coding strand, the complement: SDHB is on the minus strand). VCF-style: chr1-17044760-C-G. GRCh37 (hg19) VCF-style: chr1-17371255-C-G.
Other names: c.200+1G>C (NM_003000.2, NM_001407361.1).
Identifiers: ClinVar variation 1065988 (VCV001065988.6), dbSNP rs2101541309, ClinGen allele CA338227622.
Genomic context (GRCh38, chr1:17,044,760, plus strand): 5'-CATGTCCCTAAATCAAATCAAGAACTCTCCTTCAATAGCTGGCTTTCACAGAGATACTCA[C>G]TTATTAAGGTCAACTTCATAAGTCTGCATATGAGGTTTGTCTCCAGCCTTGTCTGGGTCC-3'